The following is an entry in ClinVar:

ClinVar aggregate classification (germline): Likely benign. Review status: criteria provided, multiple submitters, no conflicts (2 of 4 stars). 4 submissions from 4 submitters: Likely benign (3). 1 of the submissions does not count toward it. Last evaluated 2026-03-03.

Conditions:
COL11A1-related disorder. Also called: COL11A1-related condition; COL11A1-related disorders.

Submissions (4):

Women's Health and Genetics/Laboratory Corporation of America, LabCorp
Classification: Likely benign. Last evaluated: 2026-03-03. Review status: criteria provided, single submitter. Criteria: LabCorp Variant Classification Summary - May 2015. Collection method: clinical testing. Allele origin: germline.

Labcorp Genetics (formerly Invitae), Labcorp
Classification: Likely benign. Last evaluated: 2026-01-22. Review status: criteria provided, single submitter. Criteria: Invitae Variant Classification Sherloc (09022015). Collection method: clinical testing. Allele origin: germline.

Blueprint Genetics
Classification: Likely benign. Last evaluated: 2024-09-05. Review status: criteria provided, single submitter. Criteria: ACMG Guidelines, 2015. Collection method: clinical testing. Allele origin: germline.

PreventionGenetics, part of Exact Sciences
Classification: Likely benign for COL11A1-related condition. Last evaluated: 2021-10-19. Review status: no assertion criteria provided. Collection method: clinical testing. Allele origin: germline. Not counted in ClinVar's aggregate classification.
Comment: This variant is classified as likely benign based on ACMG/AMP sequence variant interpretation guidelines (Richards et al. 2015 PMID: 25741868, with internal and published modifications).

NM_001854.4(COL11A1):c.652-14_652-13insTTG

Gene: COL11A1 (collagen type XI alpha 1 chain; minus strand). Cytogenetic location: 1p21.1.
Variant type: Insertion.
Coding change: c.652-14_652-13insTTG on transcript NM_001854.4 (MANE Select); 14 bases into the intron before coding-DNA position 652 through 13 bases into the intron before coding-DNA position 652, TTG inserted.
Molecular consequence: intron variant.
Genome position: GRCh38 VCF-style: chr1-103031257-A-AAAC. GRCh37 (hg19) VCF-style: chr1-103496813-A-AAAC.
Other names: c.652-14_652-13insTTG (NM_001190709.2, NM_080629.3, NM_080630.4); c.652-14_652-13insGTT (NM_001854.4).
Identifiers: ClinVar variation 1604851 (VCV001604851.12), dbSNP rs1553240902, ClinGen allele CA975364.